The following is an entry in ClinVar:

NM_000238.4(KCNH2):c.1511C>T (p.Ala504Val)

Gene: KCNH2 (potassium voltage-gated channel subfamily H member 2; minus strand). Cytogenetic location: 7q36.1.
Variant type: single nucleotide variant.
Coding change: c.1511C>T on transcript NM_000238.4 (MANE Select); coding-DNA position 1511, C replaced by T.
Protein change: p.Ala504Val; replaces alanine 504 with valine.
Molecular consequence: missense variant. On other transcripts: non-coding transcript variant (2).
Genome position (GRCh38, 1-based): chr7:150,952,471, G>A on the plus strand (C>T on the coding strand, the complement: KCNH2 is on the minus strand). VCF-style: chr7-150952471-G-A. GRCh37 (hg19) VCF-style: chr7-150649559-G-A.
Other names: c.491C>T, p.Ala164Val (NM_001204798.2, NM_172057.3); c.1223C>T, p.Ala408Val (NM_001406753.1, NM_001406756.1); c.1334C>T, p.Ala445Val (NM_001406755.1); c.1211C>T, p.Ala404Val (NM_001406757.1); c.1511C>T, p.Ala504Val (NM_172056.3); short protein forms A404V, A445V, A408V, A164V, A504V.
Identifiers: ClinVar variation 4730780 (VCV004730780.1).

ClinVar aggregate classification (germline): Uncertain significance (1 of 4 stars; one submission).

Conditions:
Long QT syndrome (LQTS). Identifiers: MedGen C0023976, MeSH D008133, MONDO:0002442. Disease mechanism: loss of function. Inheritance: Various modes of inheritance.

Submission:

Labcorp Genetics (formerly Invitae), Labcorp
Classification: Uncertain significance for Long QT syndrome. Last evaluated: 2026-01-08. Review status: criteria provided, single submitter. Criteria: Invitae Variant Classification Sherloc (09022015). Collection method: clinical testing. Allele origin: germline.
Comment: This sequence change replaces alanine, which is neutral and non-polar, with valine, which is neutral and non-polar, at codon 504 of the KCNH2 protein (p.Ala504Val). This variant is not present in population databases (gnomAD no frequency). This missense change has been observed in individual(s) with long QT syndrome (internal data). An algorithm developed to predict the effect of missense changes on protein structure and function (PolyPhen-2) suggests that this variant is likely to be disruptive. In summary, the available evidence is currently insufficient to determine the role of this variant in disease. Therefore, it has been classified as a Variant of Uncertain Significance.